The following is an entry in ClinVar:

ClinVar aggregate classification (germline): Uncertain significance. Review status: criteria provided, multiple submitters, no conflicts (2 of 4 stars). 4 submissions from 4 submitters: Uncertain significance (4). Last evaluated 2025-12-17.

Conditions:
Familial cancer of breast. Also called: BREAST CANCER, FAMILIAL; Hereditary breast cancer; hereditary breast carcinoma. Identifiers: Orphanet 227535, MedGen C0346153, MONDO:0016419, OMIM 114480. Disease mechanism: loss of function.
Hereditary cancer-predisposing syndrome. Also called: Neoplastic Syndromes, Hereditary; Hereditary Cancer Syndrome; Hereditary neoplastic syndrome; Tumor predisposition. Identifiers: Orphanet 140162, MedGen C0027672, MeSH D009386, MONDO:0015356.

Submissions (4):

Labcorp Genetics (formerly Invitae), Labcorp
Classification: Uncertain significance for Familial cancer of breast. Last evaluated: 2025-12-17. Review status: criteria provided, single submitter. Criteria: Invitae Variant Classification Sherloc (09022015). Collection method: clinical testing. Allele origin: germline.
Comment: This sequence change replaces serine, which is neutral and polar, with tyrosine, which is neutral and polar, at codon 187 of the CHEK2 protein (p.Ser187Tyr). This variant is not present in population databases (gnomAD no frequency). This missense change has been observed in individual(s) with breast cancer (PMID: 27616075). ClinVar contains an entry for this variant (Variation ID: 460841). An algorithm developed to predict the effect of missense changes on protein structure and function (PolyPhen-2) suggests that this variant is likely to be disruptive. In summary, the available evidence is currently insufficient to determine the role of this variant in disease. Therefore, it has been classified as a Variant of Uncertain Significance.

GeneDx
Classification: Uncertain significance. Last evaluated: 2025-03-21. Review status: criteria provided, single submitter. Criteria: GeneDx Variant Classification Process June 2021. Collection method: clinical testing. Allele origin: germline. Affected: yes.
Comment: Not observed at significant frequency in large population cohorts (gnomAD); In silico analysis supports that this missense variant has a deleterious effect on protein structure/function; Observed in an individual with breast cancer (PMID: 27616075); This variant is associated with the following publications: (PMID: 22419737, 19782031, 27616075)

Center for Genomic Medicine, Rigshospitalet, Copenhagen University Hospital
Classification: Uncertain significance. Last evaluated: 2025-03-04. Review status: criteria provided, single submitter. Criteria: ACMG Guidelines, 2015. Collection method: clinical testing. Allele origin: germline.

Ambry Genetics
Classification: Uncertain significance for Hereditary cancer-predisposing syndrome. Last evaluated: 2023-12-07. Review status: criteria provided, single submitter. Criteria: Ambry Variant Classification Scheme 2023. Collection method: clinical testing. Allele origin: germline.
Comment: The p.S187Y variant (also known as c.560C>A), located in coding exon 3 of the CHEK2 gene, results from a C to A substitution at nucleotide position 560. The serine at codon 187 is replaced by tyrosine, an amino acid with dissimilar properties. This amino acid position is well conserved in available vertebrate species. In addition, the in silico prediction for this alteration is inconclusive. Since supporting evidence is limited at this time, the clinical significance of this alteration remains unclear.

Literature cited by the submitters: PubMed 27616075 (cited by Labcorp Genetics (formerly Invitae), Labcorp and Ambry Genetics).

NM_007194.4(CHEK2):c.560C>A (p.Ser187Tyr)

Gene: CHEK2 (checkpoint kinase 2; minus strand). Cytogenetic location: 22q12.1.
Variant type: single nucleotide variant.
Coding change: c.560C>A on transcript NM_007194.4 (MANE Select); coding-DNA position 560, C replaced by A.
Protein change: p.Ser187Tyr; replaces serine 187 with tyrosine.
Molecular consequence: missense variant. On other transcripts: 5 prime UTR variant (2), intron variant (1).
Genome position (GRCh38, 1-based): chr22:28,725,009, G>T on the plus strand (C>A on the coding strand, the complement: CHEK2 is on the minus strand). VCF-style: chr22-28725009-G-T. GRCh37 (hg19) VCF-style: chr22-29120997-G-T.
Other names: c.689C>A, p.Ser230Tyr (NM_001005735.3, NM_001438294.1); c.-218C>A (NM_001257387.3); c.-104C>A (NM_001437942.1); c.653C>A, p.Ser218Tyr (NM_001438293.1, NM_001438295.1); c.560C>A, p.Ser187Tyr (NM_145862.3); c.445-86C>A (NM_001349956.3); short protein forms S187Y, S230Y, S218Y.
Identifiers: ClinVar variation 460841 (VCV000460841.17), dbSNP rs1555926784, ClinGen allele CA411107122.